The following is an entry in ClinVar:

ClinVar aggregate classification (germline): Uncertain significance (1 of 4 stars; one submission).

Allele frequency attached by ClinVar (database versions not stated): TOPMed 0.00003; gnomAD 0.00004; ESP Exome Variant Server 0.00016.
gnomAD v4.1: 41 of 1,605,426 alleles (0.0026%); highest among the groups gnomAD compares: East Asian, 0.0045%; no homozygotes.

Submission:

Labcorp Genetics (formerly Invitae), Labcorp
Classification: Uncertain significance. Last evaluated: 2022-03-19. Review status: criteria provided, single submitter. Criteria: Invitae Variant Classification Sherloc (09022015). Collection method: clinical testing. Allele origin: germline.
Comment: In summary, the available evidence is currently insufficient to determine the role of this variant in disease. Therefore, it has been classified as a Variant of Uncertain Significance. Algorithms developed to predict the effect of missense changes on protein structure and function output the following: SIFT: "Tolerated"; PolyPhen-2: "Benign"; Align-GVGD: "Class C0". The methionine amino acid residue is found in multiple mammalian species, which suggests that this missense change does not adversely affect protein function. ClinVar contains an entry for this variant (Variation ID: 942548). This variant has not been reported in the literature in individuals affected with KIAA1549-related conditions. This variant is present in population databases (rs367579842, gnomAD 0.006%). This sequence change replaces valine, which is neutral and non-polar, with methionine, which is neutral and non-polar, at codon 866 of the KIAA1549 protein (p.Val866Met).

NM_001164665.2(KIAA1549):c.2596G>A (p.Val866Met)

Gene: KIAA1549 (KIAA1549; minus strand). Cytogenetic location: 7q34.
Variant type: single nucleotide variant.
Coding change: c.2596G>A on transcript NM_001164665.2 (MANE Select); coding-DNA position 2596, G replaced by A.
Protein change: p.Val866Met; replaces valine 866 with methionine.
Molecular consequence: missense variant.
Genome position (GRCh38, 1-based): chr7:138,917,030, C>T on the plus strand (G>A on the coding strand, the complement: KIAA1549 is on the minus strand). VCF-style: chr7-138917030-C-T. GRCh37 (hg19) VCF-style: chr7-138601776-C-T.
Other names: c.2596G>A, p.Val866Met (NM_020910.3); short protein forms V866M.
Identifiers: ClinVar variation 942548 (VCV000942548.5), dbSNP rs367579842, ClinGen allele CA4506468.